The following is an entry in ClinVar:

NM_001270.4(CHD1):c.318A>G (p.Gln106=)

Gene: CHD1 (chromodomain helicase DNA binding protein 1; minus strand). Cytogenetic location: 5q21.1.
Variant type: single nucleotide variant.
Coding change: c.318A>G on transcript NM_001270.4 (MANE Select); coding-DNA position 318, A replaced by G.
Protein change: p.Gln106=; no amino-acid change (glutamine 106 retained).
Molecular consequence: synonymous variant. On other transcripts: non-coding transcript variant (2).
Genome position (GRCh38, 1-based): chr5:98,903,846, T>C on the plus strand (A>G on the coding strand, the complement: CHD1 is on the minus strand). VCF-style: chr5-98903846-T-C. GRCh37 (hg19) VCF-style: chr5-98239550-T-C.
Other names: c.318A>G, p.Gln106= (NM_001364113.3, NM_001376194.2).
Identifiers: ClinVar variation 2655623 (VCV002655623.24), dbSNP rs141212996, ClinGen allele CA3356630.

ClinVar aggregate classification (germline): Likely benign (1 of 4 stars; one submission).

Allele frequency attached by ClinVar (database versions not stated): TOPMed 0.00047; ExAC 0.00052; gnomAD 0.00057; ESP Exome Variant Server 0.00077; gnomAD exomes 0.00079.
gnomAD v4.1: 1,214 of 1,613,322 alleles (0.075%); highest among the groups gnomAD compares: Non-Finnish European, 0.086%; no homozygotes.

Submission:

CeGaT Center for Human Genetics Tuebingen
Classification: Likely benign. Last evaluated: 2022-03-01. Review status: criteria provided, single submitter. Criteria: CeGaT Center For Human Genetics Tuebingen Variant Classification Criteria Version 2. Collection method: clinical testing. Allele origin: germline. Affected: yes. Observed: 1 variant allele.
Comment: CHD1: BP4, BP7